The following is an entry in ClinVar:

NM_001042413.2(GLIS3):c.630G>A (p.Thr210=)

Gene: GLIS3 (GLIS family zinc finger 3; minus strand). Cytogenetic location: 9p24.2.
Variant type: single nucleotide variant.
Coding change: c.630G>A on transcript NM_001042413.2 (MANE Select); coding-DNA position 630, G replaced by A.
Protein change: p.Thr210=; no amino-acid change (threonine 210 retained).
Molecular consequence: synonymous variant.
Genome position (GRCh38, 1-based): chr9:4,118,848, C>T on the plus strand (G>A on the coding strand, the complement: GLIS3 is on the minus strand). VCF-style: chr9-4118848-C-T. GRCh37 (hg19) VCF-style: chr9-4118848-C-T.
Other names: c.165G>A, p.Thr55= (NM_152629.4).
Identifiers: ClinVar variation 2659040 (VCV002659040.24), dbSNP rs143229220, ClinGen allele CA4968469.
Genomic context (GRCh38, chr9:4,118,848, plus strand): 5'-GCCCTGGGACCACTCCTGCTTCATGCTTGAGGCCGACTGACTTTCCGTCAGACTCAAGGT[C>T]GTGGACGCCAAAGACTCACGCGAAATAAGGGACCTGGAACAGCAGCCAGAAAGGAAGAAA-3'
Protein context (NP_001035878.1, residues 200-220): SLISRESLAS[Thr210=]TLSLTESQSA

ClinVar aggregate classification (germline): Likely benign (1 of 4 stars; one submission).

Allele frequency attached by ClinVar (database versions not stated): ExAC 0.00006; ESP Exome Variant Server 0.00031.
gnomAD v4.1: 54 of 1,603,106 alleles (0.0034%); highest among the groups gnomAD compares: Admixed American, 0.0083%; no homozygotes.

Submission:

CeGaT Center for Human Genetics Tuebingen
Classification: Likely benign. Last evaluated: 2022-08-01. Review status: criteria provided, single submitter. Criteria: CeGaT Center For Human Genetics Tuebingen Variant Classification Criteria Version 2. Collection method: clinical testing. Allele origin: germline. Affected: yes. Observed: 1 variant allele.
Comment: GLIS3: BP4, BP7